The following is an entry in ClinVar:

NM_020964.3(EPG5):c.1182G>T (p.Glu394Asp)

Gene: EPG5 (ectopic P-granules 5 autophagy tethering factor; minus strand). Cytogenetic location: 18q21.1.
Variant type: single nucleotide variant.
Coding change: c.1182G>T on transcript NM_020964.3 (MANE Select); coding-DNA position 1182, G replaced by T.
Protein change: p.Glu394Asp; replaces glutamic acid 394 with aspartic acid.
Molecular consequence: missense variant.
Genome position (GRCh38, 1-based): chr18:45,952,470, C>A on the plus strand (G>T on the coding strand, the complement: EPG5 is on the minus strand). VCF-style: chr18-45952470-C-A. GRCh37 (hg19) VCF-style: chr18-43532436-C-A.
Other names: c.1182G>T, p.Glu394Asp (NM_001410858.1, NM_001410859.1); short protein forms E394D.
Identifiers: ClinVar variation 2414460 (VCV002414460.6), dbSNP rs1293463823, ClinGen allele CA402349971.
Genomic context (GRCh38, chr18:45,952,470, plus strand): 5'-CTGGTGAATTGCTGAAGATCTCAGAACAGCTGAACTACTGAGCAATGCATAGATGTAAGA[C>A]TCCACTTGCAATCTTGAGAGCACAGAAGTATAAGAATGAAGGGCCAGGGTCTGGTGGAGG-3'
Protein context (NP_066015.2, residues 384-404): YTSVLSRLQV[Glu394Asp]SYIYALLSSS

ClinVar aggregate classification (germline): Uncertain significance (1 of 4 stars; one submission).

Conditions:
Vici syndrome (VICIS). Identifiers: Orphanet 1493, MedGen C1855772, MONDO:0009452, OMIM 242840.

Submission:

Labcorp Genetics (formerly Invitae), Labcorp
Classification: Uncertain significance for Vici syndrome. Last evaluated: 2022-09-07. Review status: criteria provided, single submitter. Criteria: Invitae Variant Classification Sherloc (09022015). Collection method: clinical testing. Allele origin: germline.
Comment: This sequence change replaces glutamic acid, which is acidic and polar, with aspartic acid, which is acidic and polar, at codon 394 of the EPG5 protein (p.Glu394Asp). In summary, the available evidence is currently insufficient to determine the role of this variant in disease. Therefore, it has been classified as a Variant of Uncertain Significance. Algorithms developed to predict the effect of missense changes on protein structure and function are either unavailable or do not agree on the potential impact of this missense change (SIFT: "Tolerated"; PolyPhen-2: "Probably Damaging"; Align-GVGD: "Class C0"). This variant has not been reported in the literature in individuals affected with EPG5-related conditions. This variant is not present in population databases (gnomAD no frequency).